The following is an entry in ClinVar:

NM_001008537.3(NEXMIF):c.393G>A (p.Met131Ile)

Gene: NEXMIF (neurite extension and migration factor; minus strand). Cytogenetic location: Xq13.3.
Variant type: single nucleotide variant.
Coding change: c.393G>A on transcript NM_001008537.3 (MANE Select); coding-DNA position 393, G replaced by A.
Protein change: p.Met131Ile; replaces methionine 131 with isoleucine.
Molecular consequence: missense variant.
Genome position (GRCh38, 1-based): chrX:74,744,164, C>T on the plus strand (G>A on the coding strand, the complement: NEXMIF is on the minus strand). VCF-style: chrX-74744164-C-T. GRCh37 (hg19) VCF-style: chrX-73963999-C-T.
Other names: short protein forms M131I.
Identifiers: ClinVar variation 2853779 (VCV002853779.3), dbSNP rs1358468812, ClinGen allele CA413673568.

ClinVar aggregate classification (germline): Uncertain significance (1 of 4 stars; one submission).

Allele frequency attached by ClinVar (database versions not stated): gnomAD exomes below 0.00001.

Submission:

Labcorp Genetics (formerly Invitae), Labcorp
Classification: Uncertain significance. Last evaluated: 2023-07-21. Review status: criteria provided, single submitter. Criteria: Invitae Variant Classification Sherloc (09022015). Collection method: clinical testing. Allele origin: germline.
Comment: In summary, the available evidence is currently insufficient to determine the role of this variant in disease. Therefore, it has been classified as a Variant of Uncertain Significance. Algorithms developed to predict the effect of missense changes on protein structure and function output the following: SIFT: "Not Available"; PolyPhen-2: "Benign"; Align-GVGD: "Not Available". The isoleucine amino acid residue is found in multiple mammalian species, which suggests that this missense change does not adversely affect protein function. This variant has not been reported in the literature in individuals affected with NEXMIF-related conditions. This variant is present in population databases (no rsID available, gnomAD 0.005%), including at least one homozygous and/or hemizygous individual. This sequence change replaces methionine, which is neutral and non-polar, with isoleucine, which is neutral and non-polar, at codon 131 of the NEXMIF protein (p.Met131Ile).